The following is an entry in ClinVar:

ClinVar aggregate classification (germline): Uncertain significance. Review status: criteria provided, multiple submitters, no conflicts (2 of 4 stars). 3 submissions from 3 submitters: Uncertain significance (3). Last evaluated 2026-10-16.

Conditions:
Hypertrophic cardiomyopathy. Also called: HYPERTROPHIC MYOCARDIOPATHY. Identifiers: Orphanet 217569, MedGen C0007194, MeSH D002312, MONDO:0005045, HP:0001639.
Left ventricular noncompaction cardiomyopathy. Also called: left ventricular non-compaction cardiomyopathy. Identifiers: MedGen C4021133, HP:0011664.

Submissions (3):

Clinical Genetics Laboratory, Skane University Hospital Lund
Classification: Uncertain significance for Left ventricular noncompaction cardiomyopathy. Last evaluated: 2026-10-16. Review status: criteria provided, single submitter. Criteria: ACMG Guidelines, 2015. Collection method: clinical testing. Allele origin: germline. Affected: yes.
Comment: PM1, PM2, PP3

Labcorp Genetics (formerly Invitae), Labcorp
Classification: Uncertain significance for Hypertrophic cardiomyopathy. Last evaluated: 2021-09-09. Review status: criteria provided, single submitter. Criteria: Invitae Variant Classification Sherloc (09022015). Collection method: clinical testing. Allele origin: germline.
Comment: In summary, the available evidence is currently insufficient to determine the role of this variant in disease. Therefore, it has been classified as a Variant of Uncertain Significance. This variant is found within a region of MYH7 between codons 181 and 937 that contains the majority of the myosin head domain. Missense variants in this region have been shown to be significantly overrepresented in individuals with hypertrophic cardiomyopathy (PMID: 27532257). This sequence change replaces aspartic acid with glycine at codon 333 of the MYH7 protein (p.Asp333Gly). The aspartic acid residue is highly conserved and there is a moderate physicochemical difference between aspartic acid and glycine. Algorithms developed to predict the effect of sequence changes on RNA splicing suggest that this variant may disrupt the consensus splice site. Algorithms developed to predict the effect of missense changes on protein structure and function are either unavailable or do not agree on the potential impact of this missense change (SIFT: "Deleterious"; PolyPhen-2: "Probably Damaging"; Align-GVGD: "Class C0"). This missense change has been observed in individual(s) with dilated cardiomyopathy (Invitae). This variant is not present in population databases (ExAC no frequency).

Blueprint Genetics
Classification: Uncertain significance. Last evaluated: 2019-12-02. Review status: criteria provided, single submitter. Criteria: ACMG Guidelines, 2015. Collection method: clinical testing. Allele origin: germline.

Literature cited by the submitters: PubMed 27532257 (cited by Labcorp Genetics (formerly Invitae), Labcorp).

NM_000257.4(MYH7):c.998A>G (p.Asp333Gly)

Gene: MYH7 (myosin heavy chain 7; minus strand). Cytogenetic location: 14q11.2.
Variant type: single nucleotide variant.
Coding change: c.998A>G on transcript NM_000257.4 (MANE Select); coding-DNA position 998, A replaced by G.
Protein change: p.Asp333Gly; replaces aspartic acid 333 with glycine.
Molecular consequence: missense variant.
Genome position (GRCh38, 1-based): chr14:23,430,561, T>C on the plus strand (A>G on the coding strand, the complement: MYH7 is on the minus strand). VCF-style: chr14-23430561-T-C. GRCh37 (hg19) VCF-style: chr14-23899770-T-C.
Other names: short protein forms D333G.
Identifiers: ClinVar variation 1489396 (VCV001489396.8), dbSNP rs2138679077, ClinGen allele CA389051587.
Genomic context (GRCh38, chr14:23,430,561, plus strand): 5'-CCCTGTTTGCCCCTCACTGCCAATCCTCCCACCCCCTGGCTGGGTCCTCACACACTCACA[T>C]CAGTGGCCATGAGCTCCTCAGCGTCATCAATGGAGGCCACGGTGGTCTCTCCTTGGGAGA-3'
Protein context (NP_000248.2, residues 323-343): IDDAEELMAT[Asp333Gly]NAFDVLGFTS